The following is an entry in ClinVar:

ClinVar aggregate classification (germline): Uncertain significance. Review status: criteria provided, multiple submitters, no conflicts (2 of 4 stars). 2 submissions from 2 submitters: Uncertain significance (2). Last evaluated 2025-10-17.

Conditions:
Inborn genetic diseases. Identifiers: MedGen C0950123, MeSH D030342.

Allele frequency attached by ClinVar (database versions not stated): ExAC 0.00008; ESP Exome Variant Server 0.00015; 1000 Genomes Project 30x 0.00016; gnomAD 0.00020 and 0.00021; gnomAD exomes 0.00008; TOPMed 0.00023.
gnomAD v4.1: 70 of 1,613,780 alleles (0.0043%); highest among the groups gnomAD compares: African/African-American, 0.061%; no homozygotes.

Submissions (2):

Ambry Genetics
Classification: Uncertain significance for Inborn genetic diseases. Last evaluated: 2025-10-17. Review status: criteria provided, single submitter. Criteria: Ambry Variant Classification Scheme 2023. Collection method: clinical testing. Allele origin: germline.

Labcorp Genetics (formerly Invitae), Labcorp
Classification: Uncertain significance. Last evaluated: 2022-07-27. Review status: criteria provided, single submitter. Criteria: Invitae Variant Classification Sherloc (09022015). Collection method: clinical testing. Allele origin: germline.
Comment: This sequence change replaces glycine, which is neutral and non-polar, with serine, which is neutral and polar, at codon 386 of the LTBP2 protein (p.Gly386Ser). This variant is present in population databases (rs147025519, gnomAD 0.06%). This variant has not been reported in the literature in individuals affected with LTBP2-related conditions. ClinVar contains an entry for this variant (Variation ID: 1346130). Algorithms developed to predict the effect of missense changes on protein structure and function are either unavailable or do not agree on the potential impact of this missense change (SIFT: "Deleterious"; PolyPhen-2: "Probably Damaging"; Align-GVGD: "Class C0"). In summary, the available evidence is currently insufficient to determine the role of this variant in disease. Therefore, it has been classified as a Variant of Uncertain Significance.

NM_000428.3(LTBP2):c.1156G>A (p.Gly386Ser)

Gene: LTBP2 (latent transforming growth factor beta binding protein 2; minus strand). Cytogenetic location: 14q24.3.
Variant type: single nucleotide variant.
Coding change: c.1156G>A on transcript NM_000428.3 (MANE Select); coding-DNA position 1156, G replaced by A.
Protein change: p.Gly386Ser; replaces glycine 386 with serine.
Molecular consequence: missense variant.
Genome position (GRCh38, 1-based): chr14:74,552,928, C>T on the plus strand (G>A on the coding strand, the complement: LTBP2 is on the minus strand). VCF-style: chr14-74552928-C-T. GRCh37 (hg19) VCF-style: chr14-75019631-C-T.
Other names: c.1156G>A (NM_000428.2); short protein forms G386S.
Identifiers: ClinVar variation 1346130 (VCV001346130.6), dbSNP rs147025519, ClinGen allele CA7269978.
Genomic context (GRCh38, chr14:74,552,928, plus strand): 5'-CATCTGAGCAGGAAAGGGACTCACAGATGCGGAAGCCAGACTTGGGATCGTGCCCATGGC[C>T]GCCCTGGCTGTACAGGGTGGTGGTGTCGCCCCTCTCACAGCTGTTGGCACAGTGTCCACG-3'
Protein context (NP_000419.1, residues 376-396): GDTTTLYSQG[Gly386Ser]HGHDPKSGFR